The following is an entry in ClinVar:

NM_000317.3(PTS):c.308T>C (p.Val103Ala)

Gene: PTS (6-pyruvoyltetrahydropterin synthase; plus strand). Cytogenetic location: 11q23.1.
Variant type: single nucleotide variant.
Coding change: c.308T>C on transcript NM_000317.3 (MANE Select); coding-DNA position 308, T replaced by C.
Protein change: p.Val103Ala; replaces valine 103 with alanine.
Molecular consequence: missense variant.
Genome position (GRCh38, 1-based): chr11:112,233,227, T>C. VCF-style: chr11-112233227-T-C. GRCh37 (hg19) VCF-style: chr11-112103950-T-C.
Other names: short protein forms V103A.
Identifiers: ClinVar variation 1302929 (VCV001302929.10), dbSNP rs1555198459, ClinGen allele CA6278563.

ClinVar aggregate classification (germline): Conflicting classifications of pathogenicity. Review status: criteria provided, conflicting classifications (1 of 4 stars). 5 submissions from 5 submitters: Pathogenic (2); Uncertain significance (3). Last evaluated 2025-06-02.

Conditions:
6-Pyruvoyl-tetrahydrobiopterin synthase deficiency. Also called: HYPERPHENYLALANINEMIA, TETRAHYDROBIOPTERIN-DEFICIENT, DUE TO PTS DEFICIENCY; 6-Pyruvoyltetrahydropterin Synthase Deficiency; PTS DEFICIENCY; Hyperphenylalanemia, BH4-deficient, A; Hyperphenylalaninemia due to 6-pyruvoyl-tetrahydropterin synthase deficiency; BH4-deficient hyperphenylalaninemia A. Identifiers: Orphanet 13, Orphanet 238583, MedGen C0878676, MONDO:0009863, OMIM 261640.

Allele frequency attached by ClinVar (database versions not stated): gnomAD exomes below 0.00001; ExAC 0.00001.
gnomAD v4.1: 2 of 1,613,750 alleles (0.00012%); highest among the groups gnomAD compares: Non-Finnish European, 0.00017%; no homozygotes.

Submissions (5):

Dasa
Classification: Uncertain significance. Last evaluated: 2025-06-02. Review status: criteria provided, single submitter. Criteria: DASA Assertion Criteria. Collection method: clinical testing. Allele origin: germline.
Comment: NM_000317.3(PTS):c.308T>C (p.Val103Ala) is a missense variant that results in the substitution of valine with alanine. This variant has been observed in affected individuals with PTS-related disorders. Also, this variant is rare in population databases. The currently available literature and clinical evidence are not sufficient to establish a definitive association between this variant and the reported condition. Therefore, this variant is classified as a variant of uncertain significance.

Baylor Genetics
Classification: Pathogenic for 6-Pyruvoyl-tetrahydrobiopterin synthase deficiency. Last evaluated: 2023-03-25. Review status: criteria provided, single submitter. Criteria: ACMG Guidelines, 2015. Collection method: clinical testing. Allele origin: unknown.

Labcorp Genetics (formerly Invitae), Labcorp
Classification: Pathogenic for 6-Pyruvoyl-tetrahydrobiopterin synthase deficiency. Last evaluated: 2022-05-03. Review status: criteria provided, single submitter. Criteria: Invitae Variant Classification Sherloc (09022015). Collection method: clinical testing. Allele origin: germline.
Comment: ClinVar contains an entry for this variant (Variation ID: 1302929). For these reasons, this variant has been classified as Pathogenic. Algorithms developed to predict the effect of missense changes on protein structure and function (SIFT, PolyPhen-2, Align-GVGD) all suggest that this variant is likely to be tolerated. This missense change has been observed in individual(s) with 6-pyruvoyl-tetrahydropterin synthase deficiency (PMID: 20059486, 33234470). In at least one individual the data is consistent with being in trans (on the opposite chromosome) from a pathogenic variant. It has also been observed to segregate with disease in related individuals. This variant is present in population databases (no rsID available, gnomAD 0.0009%). This sequence change replaces valine, which is neutral and non-polar, with alanine, which is neutral and non-polar, at codon 103 of the PTS protein (p.Val103Ala).

Fulgent Genetics
Classification: Uncertain significance for 6-Pyruvoyl-tetrahydrobiopterin synthase deficiency. Last evaluated: 2021-09-17. Review status: criteria provided, single submitter. Criteria: ACMG Guidelines, 2015. Collection method: clinical testing. Allele origin: unknown.

GeneDx
Classification: Uncertain significance. Last evaluated: 2020-10-08. Review status: criteria provided, single submitter. Criteria: GeneDx Variant Classification Process June 2021. Collection method: clinical testing. Allele origin: germline. Affected: yes.
Comment: Not observed at a significant frequency in large population cohorts (Lek et al., 2016); In silico analysis supports that this missense variant does not alter protein structure/function; This variant is associated with the following publications: (PMID: 20059486, 32202960, 32651154, 33234470)

Literature cited by the submitters: PubMed 20059486 (cited by Labcorp Genetics (formerly Invitae), Labcorp); PubMed 33234470 (cited by Labcorp Genetics (formerly Invitae), Labcorp).